The following is an entry in ClinVar:

ClinVar aggregate classification (germline): Uncertain significance (1 of 4 stars; one submission).

Submission:

GeneDx
Classification: Uncertain significance. Last evaluated: 2023-10-17. Review status: criteria provided, single submitter. Criteria: GeneDx Variant Classification Process June 2021. Collection method: clinical testing. Allele origin: germline. Affected: yes.
Comment: In silico analysis supports that this missense variant has a deleterious effect on protein structure/function; Has not been previously published as pathogenic or benign to our knowledge; Not observed at significant frequency in large population cohorts (gnomAD)

NM_000142.5(FGFR3):c.1436G>A (p.Gly479Glu)

Gene: FGFR3 (fibroblast growth factor receptor 3; plus strand). Cytogenetic location: 4p16.3.
Variant type: single nucleotide variant.
Coding change: c.1436G>A on transcript NM_000142.5 (MANE Select); coding-DNA position 1436, G replaced by A.
Protein change: p.Gly479Glu; replaces glycine 479 with glutamic acid.
Molecular consequence: missense variant. On other transcripts: non-coding transcript variant (1).
Genome position (GRCh38, 1-based): chr4:1,805,378, G>A. VCF-style: chr4-1805378-G-A. GRCh37 (hg19) VCF-style: chr4-1807105-G-A.
Other names: c.1442G>A, p.Gly481Glu (NM_001163213.2); c.1439G>A, p.Gly480Glu (NM_001354809.2, NM_001354810.2); c.1100G>A, p.Gly367Glu (NM_022965.4); short protein forms G367E, G479E, G480E, G481E.
Identifiers: ClinVar variation 2446543 (VCV002446543.2), dbSNP rs2546827745, ClinGen allele CA355980795.